The following is an entry in ClinVar:

ClinVar aggregate classification (germline): Uncertain significance (1 of 4 stars; one submission).

Conditions:
Cardiovascular phenotype. Identifiers: MedGen CN230736.

Submission:

Ambry Genetics
Classification: Uncertain significance for Cardiovascular phenotype. Last evaluated: 2025-03-23. Review status: criteria provided, single submitter. Criteria: Ambry Variant Classification Scheme 2023. Collection method: clinical testing. Allele origin: germline.
Comment: The p.E951D variant (also known as c.2853G>C), located in coding exon 20 of the MYH6 gene, results from a G to C substitution at nucleotide position 2853. The glutamic acid at codon 951 is replaced by aspartic acid, an amino acid with highly similar properties. This amino acid position is conserved. In addition, the in silico prediction for this alteration is inconclusive. Based on the available evidence, the clinical significance of this variant remains unclear.

NM_002471.4(MYH6):c.2853G>C (p.Glu951Asp)

Gene: MYH6 (myosin heavy chain 6; minus strand). Cytogenetic location: 14q11.2.
Variant type: single nucleotide variant.
Coding change: c.2853G>C on transcript NM_002471.4 (MANE Select); coding-DNA position 2853, G replaced by C.
Protein change: p.Glu951Asp; replaces glutamic acid 951 with aspartic acid.
Molecular consequence: missense variant.
Genome position (GRCh38, 1-based): chr14:23,393,741, C>G on the plus strand (G>C on the coding strand, the complement: MYH6 is on the minus strand). VCF-style: chr14-23393741-C-G. GRCh37 (hg19) VCF-style: chr14-23862950-C-G.
Other names: short protein forms E951D.
Identifiers: ClinVar variation 3915577 (VCV003915577.1).